The following is an entry in ClinVar:

NM_000276.4(OCRL):c.2465G>A (p.Arg822Gln)

Gene: OCRL (OCRL inositol polyphosphate-5-phosphatase; plus strand). Cytogenetic location: Xq26.1.
Variant type: single nucleotide variant.
Coding change: c.2465G>A on transcript NM_000276.4 (MANE Select); coding-DNA position 2465, G replaced by A.
Protein change: p.Arg822Gln; replaces arginine 822 with glutamine.
Molecular consequence: missense variant.
Genome position (GRCh38, 1-based): chrX:129,589,009, G>A. VCF-style: chrX-129589009-G-A. GRCh37 (hg19) VCF-style: chrX-128722986-G-A.
Other names: c.2468G>A, p.Arg823Gln (NM_001318784.2); c.2441G>A, p.Arg814Gln (NM_001587.4); short protein forms R814Q, R822Q, R823Q.
Identifiers: ClinVar variation 4848288 (VCV004848288.1).
Genomic context (GRCh38, chrX:129,589,009, plus strand): 5'-TCATCTGTTACGAGCTGTATCAGCGATGTCTTGACTCTGCTTATGATCCCCGGATCTGCC[G>A]ACAGGTGGGTTCTACTGACCTGGGGATGTGTTTGACGCAGATTGCCCCATAGAGAAGTCG-3'
Protein context (NP_000267.2, residues 812-832): LDSAYDPRIC[Arg822Gln]QVISQLPRCH

ClinVar aggregate classification (germline): Uncertain significance (1 of 4 stars; one submission).

Submission:

Women's Health and Genetics/Laboratory Corporation of America, LabCorp
Classification: Uncertain significance. Last evaluated: 2026-02-27. Review status: criteria provided, single submitter. Criteria: LabCorp Variant Classification Summary - May 2015. Collection method: clinical testing. Allele origin: germline.
Comment: Variant summary: OCRL c.2465G>A (p.Arg822Gln) results in a conservative amino acid change in the encoded protein sequence. Algorithms developed to predict the effect of missense changes on protein structure and function are either unavailable or do not agree on the potential impact of this missense change. The variant allele was found at a frequency of 5.5e-06 in 182734 control chromosomes. The available data on variant occurrences in the general population are insufficient to allow any conclusion about variant significance. To our knowledge, no occurrence of c.2465G>A in individuals affected with OCRL-related conditions and no experimental evidence demonstrating its impact on protein function have been reported. No submitters have cited clinical-significance assessments for this variant to ClinVar. Based on the evidence outlined above, the variant was classified as uncertain significance.